The following is an entry in ClinVar:

NM_021625.5(TRPV4):c.37G>C (p.Gly13Arg)

Gene: TRPV4 (transient receptor potential cation channel subfamily V member 4; minus strand). Cytogenetic location: 12q24.11.
Variant type: single nucleotide variant.
Coding change: c.37G>C on transcript NM_021625.5 (MANE Select); coding-DNA position 37, G replaced by C.
Protein change: p.Gly13Arg; replaces glycine 13 with arginine.
Molecular consequence: missense variant.
Genome position (GRCh38, 1-based): chr12:109,814,760, C>G on the plus strand (G>C on the coding strand, the complement: TRPV4 is on the minus strand). VCF-style: chr12-109814760-C-G. GRCh37 (hg19) VCF-style: chr12-110252565-C-G.
Other names: c.37G>C, p.Gly13Arg (NM_001177428.2, NM_001177431.2, NM_001177433.2 and 1 more transcripts); short protein forms G13R.
Identifiers: ClinVar variation 846782 (VCV000846782.9), dbSNP rs763302555, ClinGen allele CA386661154.

ClinVar aggregate classification (germline): Uncertain significance (1 of 4 stars; one submission).

Conditions:
Charcot-Marie-Tooth disease axonal type 2C (HMSN2C). Also called: Charcot-Marie-Tooth Disease Type 2, TRPV4-Related (CMT2C); CHARCOT-MARIE-TOOTH DISEASE, AXONAL, AUTOSOMAL DOMINANT, TYPE 2C; Charcot-Marie-Tooth Neuropathy Type 2C. Identifiers: Orphanet 99937, MedGen C1853710, MONDO:0011633, OMIM 606071.

Submission:

Labcorp Genetics (formerly Invitae), Labcorp
Classification: Uncertain significance for Charcot-Marie-Tooth disease axonal type 2C. Last evaluated: 2019-04-18. Review status: criteria provided, single submitter. Criteria: Invitae Variant Classification Sherloc (09022015). Collection method: clinical testing. Allele origin: germline.
Comment: This sequence change replaces glycine with arginine at codon 13 of the TRPV4 protein (p.Gly13Arg). The glycine residue is weakly conserved and there is a moderate physicochemical difference between glycine and arginine. The frequency data for this variant in the population databases is considered unreliable, as metrics indicate insufficient coverage at this position in the ExAC database. This variant has not been reported in the literature in individuals with TRPV4-related conditions. Algorithms developed to predict the effect of missense changes on protein structure and function are either unavailable or do not agree on the potential impact of this missense change (SIFT: "Deleterious"; PolyPhen-2: "Benign"; Align-GVGD: "Class C0"). In summary, the available evidence is currently insufficient to determine the role of this variant in disease. Therefore, it has been classified as a Variant of Uncertain Significance.